The following is an entry in ClinVar:

ClinVar aggregate classification (germline): Likely benign. Review status: criteria provided, multiple submitters, no conflicts (2 of 4 stars). 2 submissions from 2 submitters: Likely benign (2). Last evaluated 2025-02-26.

Conditions:
Multiple endocrine neoplasia type 2A. Also called: MULTIPLE ENDOCRINE NEOPLASIA, TYPE IIA; PTC SYNDROME; SIPPLE SYNDROME; MEN 2A; MEN-2A syndrome; Pheochromocytoma and amyloid producing medullary thyroid carcinoma. Identifiers: Orphanet 247698, Orphanet 653, MedGen C0025268, MeSH D018813, MONDO:0008234, OMIM 171400.
Multiple endocrine neoplasia, type 2 (MEN2). Identifiers: Orphanet 653, MedGen C4048306, MONDO:0019003. Disease mechanism: gain of function.

gnomAD v4.1: 2 of 1,593,132 alleles (0.00013%); highest among the groups gnomAD compares: Non-Finnish European, 0.000085%; no homozygotes.

Submissions (2):

Myriad Genetics, Inc.
Classification: Likely benign for Multiple endocrine neoplasia type 2A. Last evaluated: 2025-02-26. Review status: criteria provided, single submitter. Criteria: Myriad Autosomal Dominant, Autosomal Recessive and X-Linked Classification Criteria (2023). Collection method: clinical testing. Allele origin: unknown.
Comment: This variant is considered likely benign. This variant is intronic and is not expected to impact mRNA splicing.

Labcorp Genetics (formerly Invitae), Labcorp
Classification: Likely benign for Multiple endocrine neoplasia, type 2. Last evaluated: 2020-09-11. Review status: criteria provided, single submitter. Criteria: Invitae Variant Classification Sherloc (09022015). Collection method: clinical testing. Allele origin: germline.

NM_020975.6(RET):c.2393-4C>T

Gene: RET (ret proto-oncogene; plus strand). Cytogenetic location: 10q11.21.
Variant type: single nucleotide variant.
Coding change: c.2393-4C>T on transcript NM_020975.6 (MANE Select); 4 bases into the intron before coding-DNA position 2393, C replaced by T.
Molecular consequence: intron variant.
Genome position (GRCh38, 1-based): chr10:43,119,527, C>T. VCF-style: chr10-43119527-C-T. GRCh37 (hg19) VCF-style: chr10-43614975-C-T.
Other names: c.2393-4C>T (NM_020630.7, NM_001406743.1, NM_001406744.1 and 2 more transcripts); c.2258-4C>T (NM_001406765.1, NM_001406763.1); c.1997-4C>T (NM_001406772.1, NM_001406769.1); c.1955-4C>T (NM_001406773.1, NM_001406771.1); c.1496-4C>T (NM_001406782.1, NM_001406780.1, NM_001406779.1 and 1 more transcripts); c.1361-4C>T (NM_001406787.1); c.1376-4C>T (NM_001406785.1); c.2264-4C>T (NM_001406764.1, NM_001406762.1, NM_001406761.1); and 10 more.
Identifiers: ClinVar variation 1147986 (VCV001147986.11), dbSNP rs768398267, ClinGen allele CA2499220239.
Genomic context (GRCh38, chr10:43,119,527, plus strand): 5'-CTGGCTCCTGGAAGACCCAAGCTGCCTGACCCGCACGCCCAGGGCCCCCTCTCTCCGCCC[C>T]CAGGCCCGCTCCTCCTCATCGTGGAGTACGCCAAATACGGCTCCCTGCGGGGCTTCCTCC-3'